The following is an entry in ClinVar:

ClinVar aggregate classification (germline): Pathogenic. Review status: criteria provided, multiple submitters, no conflicts (2 of 4 stars). 3 submissions from 3 submitters: Pathogenic (3). Last evaluated 2023-04-27.

Conditions:
Hereditary cancer-predisposing syndrome. Also called: Hereditary neoplastic syndrome; Neoplastic Syndromes, Hereditary; Tumor predisposition; Hereditary Cancer Syndrome. Identifiers: Orphanet 140162, MedGen C0027672, MeSH D009386, MONDO:0015356.
Familial adenomatous polyposis 1 (FAP1). Also called: POLYPOSIS, ADENOMATOUS INTESTINAL; FAMILIAL ADENOMATOUS POLYPOSIS 1, ATTENUATED. Identifiers: MedGen C2713442, MONDO:0021056, OMIM 175100. Disease mechanism: loss of function.

Submissions (3):

Myriad Genetics, Inc.
Classification: Pathogenic for Familial adenomatous polyposis 1. Last evaluated: 2023-04-27. Review status: criteria provided, single submitter. Criteria: Myriad Autosomal Dominant, Autosomal Recessive and X-Linked Classification Criteria (2023). Collection method: clinical testing. Allele origin: unknown.
Comment: This variant is considered pathogenic. This variant creates a termination codon and is predicted to result in premature protein truncation.

Labcorp Genetics (formerly Invitae), Labcorp
Classification: Pathogenic for Familial adenomatous polyposis 1. Last evaluated: 2022-07-01. Review status: criteria provided, single submitter. Criteria: Invitae Variant Classification Sherloc (09022015). Collection method: clinical testing. Allele origin: germline.
Comment: For these reasons, this variant has been classified as Pathogenic. ClinVar contains an entry for this variant (Variation ID: 470123). This premature translational stop signal has been observed in individual(s) with familial adenomatous polyposis (PMID: 28127413). This variant is not present in population databases (gnomAD no frequency). This sequence change creates a premature translational stop signal (p.Glu268*) in the APC gene. It is expected to result in an absent or disrupted protein product. Loss-of-function variants in APC are known to be pathogenic (PMID: 17963004, 20685668).

Ambry Genetics
Classification: Pathogenic for Hereditary cancer-predisposing syndrome. Last evaluated: 2020-02-10. Review status: criteria provided, single submitter. Criteria: Ambry Variant Classification Scheme 2023. Collection method: clinical testing. Allele origin: germline.
Comment: The p.E268* pathogenic mutation (also known as c.802G>T), located in coding exon 7 of the APC gene, results from a G to T substitution at nucleotide position 802. This changes the amino acid from a glutamic acid to a stop codon within coding exon 7. This alteration is expected to result in loss of function by premature protein truncation or nonsense-mediated mRNA decay. As such, this alteration is interpreted as a disease-causing mutation.

Literature cited by the submitters: PubMed 28127413 (cited by Labcorp Genetics (formerly Invitae), Labcorp); PubMed 17963004 (cited by Labcorp Genetics (formerly Invitae), Labcorp); PubMed 20685668 (cited by Labcorp Genetics (formerly Invitae), Labcorp).

NM_000038.6(APC):c.802G>T (p.Glu268Ter)

Gene: APC (APC regulator of Wnt signaling pathway; plus strand). Cytogenetic location: 5q22.2.
Variant type: single nucleotide variant.
Coding change: c.802G>T on transcript NM_000038.6 (MANE Select); coding-DNA position 802, G replaced by T.
Protein change: p.Glu268Ter; replaces glutamic acid 268 with a stop codon.
Molecular consequence: nonsense. On other transcripts: 5 prime UTR variant (1).
Genome position (GRCh38, 1-based): chr5:112,801,351, G>T. VCF-style: chr5-112801351-G-T. GRCh37 (hg19) VCF-style: chr5-112137048-G-T.
Other names: c.802G>T, p.Glu268Ter (NM_001127510.3, NM_001354895.2, NM_001354896.2 and 1 more transcripts); c.748G>T, p.Glu250Ter (NM_001127511.3); c.832G>T, p.Glu278Ter (NM_001354897.2, NM_001354902.2); c.727G>T, p.Glu243Ter (NM_001354898.2, NM_001354904.2); c.718G>T, p.Glu240Ter (NM_001354899.2); c.625G>T, p.Glu209Ter (NM_001354900.2, NM_001354901.2, NM_001354905.2); c.-234G>T (NM_001354906.2); short protein forms E250*, E268*, E209*, E243*, E278*, E240*.
Identifiers: ClinVar variation 470123 (VCV000470123.13), dbSNP rs1326410920, ClinGen allele CA16023083.